The following is an entry in ClinVar:

NM_001486.4(GCKR):c.1469G>A (p.Ser490Asn)

Gene: GCKR (glucokinase regulator; plus strand). Cytogenetic location: 2p23.3.
Variant type: single nucleotide variant.
Coding change: c.1469G>A on transcript NM_001486.4 (MANE Select); coding-DNA position 1469, G replaced by A.
Protein change: p.Ser490Asn; replaces serine 490 with asparagine.
Molecular consequence: missense variant.
Genome position (GRCh38, 1-based): chr2:27,518,834, G>A. VCF-style: chr2-27518834-G-A. GRCh37 (hg19) VCF-style: chr2-27741701-G-A.
Other names: short protein forms S490N.
Identifiers: ClinVar variation 3373479 (VCV003373479.1).
Genomic context (GRCh38, chr2:27,518,834, plus strand): 5'-TCTGCCCTTTTCAGAAGTTCCAGCGTGAGCTAAGCACCAAATGGGTGCTGAATACAGTGA[G>A]TACAGGTGCTCATGTGCTTCTTGGTAAGATCCTACAAAACCACATGTTGGACCTTCGGAT-3'
Protein context (NP_001477.2, residues 480-500): LSTKWVLNTV[Ser490Asn]TGAHVLLGKI

ClinVar aggregate classification (germline): Uncertain significance (1 of 4 stars; one submission).

gnomAD v4.1: 8 of 1,612,908 alleles (0.0005%); highest among the groups gnomAD compares: South Asian, 0.0011%; no homozygotes.

Submission:

GeneDx
Classification: Uncertain significance. Last evaluated: 2024-03-03. Review status: criteria provided, single submitter. Criteria: GeneDx Variant Classification Process June 2021. Collection method: clinical testing. Allele origin: germline. Affected: yes.
Comment: Not observed at significant frequency in large population cohorts (gnomAD); In silico analysis supports that this missense variant does not alter protein structure/function; Has not been previously published as pathogenic or benign to our knowledge